The following is an entry in ClinVar:

NM_006070.6(TFG):c.1070A>G (p.Tyr357Cys)

Gene: TFG (trafficking from ER to golgi regulator; plus strand). Cytogenetic location: 3q12.2.
Variant type: single nucleotide variant.
Coding change: c.1070A>G on transcript NM_006070.6 (MANE Select); coding-DNA position 1070, A replaced by G.
Protein change: p.Tyr357Cys; replaces tyrosine 357 with cysteine.
Molecular consequence: missense variant.
Genome position (GRCh38, 1-based): chr3:100,748,398, A>G. VCF-style: chr3-100748398-A-G. GRCh37 (hg19) VCF-style: chr3-100467242-A-G.
Other names: c.1070A>G, p.Tyr357Cys (NM_001007565.2, NM_001195478.2); c.1058A>G, p.Tyr353Cys (NM_001195479.2); short protein forms Y357C, Y353C.
Identifiers: ClinVar variation 466403 (VCV000466403.8), dbSNP rs1375662436, ClinGen allele CA353854374.
Genomic context (GRCh38, chr3:100,748,398, plus strand): 5'-CTAATTATACTGTGGCTCCTGCCTCTCAACCTGGAATGGCTCCAAGCCAACCTGGGGCCT[A>G]TCAACCAAGACCAGGTTTTACTTCACTTCCTGGAAGTACCATGACCCCTCCTCCAAGTGG-3'
Protein context (NP_006061.2, residues 347-367): PGMAPSQPGA[Tyr357Cys]QPRPGFTSLP

ClinVar aggregate classification (germline): Uncertain significance (1 of 4 stars; one submission).

Conditions:
Hereditary motor and sensory neuropathy, Okinawa type (HMSNO). Also called: HEREDITARY MOTOR AND SENSORY NEUROPATHY, PROXIMAL TYPE. Identifiers: Orphanet 90117, MedGen C1858338, MONDO:0011468, OMIM 604484.
Hereditary spastic paraplegia 57. Also called: Spastic paraplegia 57, autosomal recessive. Identifiers: Orphanet 431329, MedGen C3714897, MONDO:0014295, OMIM 615658.

Allele frequency attached by ClinVar (database versions not stated): gnomAD exomes below 0.00001 and 0.00001; gnomAD 0.00001.
gnomAD v4.1: 13 of 1,614,018 alleles (0.00081%); highest among the groups gnomAD compares: East Asian, 0.0089%; no homozygotes.

Submission:

Labcorp Genetics (formerly Invitae), Labcorp
Classification: Uncertain significance for Hereditary motor and sensory neuropathy, Okinawa type; Hereditary spastic paraplegia 57. Last evaluated: 2017-04-18. Review status: criteria provided, single submitter. Criteria: Invitae Variant Classification Sherloc (09022015). Collection method: clinical testing. Allele origin: germline.
Comment: In summary, this variant is a novel missense change with uncertain impact on protein function. It has been classified as a Variant of Uncertain Significance. Algorithms developed to predict the effect of missense changes on protein structure and function do not agree on the potential impact of this missense change (SIFT: "Tolerated"; PolyPhen-2: "Possibly Damaging"; Align-GVGD: "Class C25"). This variant is not present in population databases (ExAC no frequency) and has not been reported in the literature in individuals with a TFG-related disease. This sequence change replaces tyrosine with cysteine at codon 357 of the TFG protein (p.Tyr357Cys). The tyrosine residue is highly conserved and there is a large physicochemical difference between tyrosine and cysteine.